The following is an entry in ClinVar:

NM_032119.4(ADGRV1):c.8488C>G (p.Leu2830Val)

Gene: ADGRV1 (adhesion G protein-coupled receptor V1; plus strand). Cytogenetic location: 5q14.3.
Variant type: single nucleotide variant.
Coding change: c.8488C>G on transcript NM_032119.4 (MANE Select); coding-DNA position 8488, C replaced by G.
Protein change: p.Leu2830Val; replaces leucine 2830 with valine.
Molecular consequence: missense variant. On other transcripts: non-coding transcript variant (1).
Genome position (GRCh38, 1-based): chr5:90,705,501, C>G. VCF-style: chr5-90705501-C-G. GRCh37 (hg19) VCF-style: chr5-90001318-C-G.
Other names: short protein forms L2830V.
Identifiers: ClinVar variation 905881 (VCV000905881.17), dbSNP rs555466095, ClinGen allele CA3340274.

ClinVar aggregate classification (germline): Conflicting classifications of pathogenicity. Review status: criteria provided, conflicting classifications (1 of 4 stars). 6 submissions from 6 submitters: Uncertain significance (3); Benign (1); Likely benign (2). Last evaluated 2025-12-14.

Conditions:
Usher syndrome type 2C. Also called: Usher syndrome, type 2B; USHER SYNDROME, TYPE IIC. Identifiers: Orphanet 231178, Orphanet 886, MedGen C2931213, MONDO:0011558, OMIM 605472.
Febrile seizures, familial, 4 (FEB4). Also called: CONVULSIONS, FAMILIAL FEBRILE, 4. Identifiers: MedGen C1858493, MONDO:0011443, OMIM 604352.
Inborn genetic diseases. Identifiers: MedGen C0950123, MeSH D030342.

Allele frequency attached by ClinVar (database versions not stated): gnomAD below 0.00001 and 0.00005; TOPMed 0.00003; gnomAD exomes 0.00010 and 0.00018; ExAC 0.00021; 1000 Genomes Project 0.00040; 1000 Genomes Project 30x 0.00047.
gnomAD v4.1: 158 of 1,613,788 alleles (0.0098%); highest among the groups gnomAD compares: South Asian, 0.17%; 1 homozygote.

Submissions (6):

Labcorp Genetics (formerly Invitae), Labcorp
Classification: Benign. Last evaluated: 2025-12-14. Review status: criteria provided, single submitter. Criteria: Invitae Variant Classification Sherloc (09022015). Collection method: clinical testing. Allele origin: germline.

Blueprint Genetics
Classification: Likely benign. Last evaluated: 2023-09-20. Review status: criteria provided, single submitter. Criteria: ACMG Guidelines, 2015. Collection method: clinical testing. Allele origin: germline.

Ambry Genetics
Classification: Likely benign for Inborn genetic diseases. Last evaluated: 2023-05-24. Review status: criteria provided, single submitter. Criteria: Ambry Variant Classification Scheme 2023. Collection method: clinical testing. Allele origin: germline.

Fulgent Genetics
Classification: Uncertain significance for Febrile seizures, familial, 4; Usher syndrome type 2C. Last evaluated: 2022-03-18. Review status: criteria provided, single submitter. Criteria: ACMG Guidelines, 2015. Collection method: clinical testing. Allele origin: unknown.

Illumina Laboratory Services, Illumina
Classification: Uncertain significance for Usher syndrome type 2C. Last evaluated: 2018-01-12. Review status: criteria provided, single submitter. Criteria: ICSL Variant Classification Criteria 13 December 2019. Collection method: clinical testing. Allele origin: germline.

Neuberg Centre For Genomic Medicine, NCGM
Classification: Uncertain significance for Usher syndrome type 2C. Review status: criteria provided, single submitter. Criteria: ACMG Guidelines, 2015. Collection method: clinical testing. Allele origin: germline. Inheritance: Autosomal recessive inheritance. Affected: yes.
Comment: The missense variant c.8488C>G(p.Leu2830Val) in ADGRV1 gene has not been reported previously as a pathogenic variant nor as a benign variant, to our knowledge. This variant is reported with the allele frequency of 0.02% in the gnomad and 0.04% in the 1000 genome database. The amino acid Leucine at position 2830 is changed to a Valine changing protein sequence and it might alter its composition and physico-chemical properties. The variant is predicted to be damaging by PolyPhen2. The residue is conserved across species. For these reasons, this variant has been classified as Uncertain Significance.